The following is an entry in ClinVar:

ClinVar aggregate classification (germline): Uncertain significance (1 of 4 stars; one submission).

Conditions:
Allan-Herndon-Dudley syndrome (AHDS). Also called: ALLAN-HERNDON SYNDROME; MENTAL RETARDATION AND MUSCULAR ATROPHY; T3 RESISTANCE; TRIIODOTHYRONINE RESISTANCE; Passos-Bueno syndrome. Identifiers: Orphanet 59, MedGen C0795889, MONDO:0010354, OMIM 300523.

Submission:

3billion
Classification: Uncertain significance for Allan-Herndon-Dudley syndrome. Last evaluated: 2025-03-04. Review status: criteria provided, single submitter. Criteria: ACMG Guidelines, 2015. Collection method: clinical testing. Allele origin: germline. Affected: yes.
Comment: The variant is not observed in the gnomAD v4.1.0 dataset. Predicted Consequence/Location: Missense variant Damaging effect on gene or gene product predicted by in silico programs is uncertain [3Cnet: 0.26 (damaging >=0.6, benign <0.15)]. Therefore, this variant is classified as VUS according to the recommendation of ACMG/AMP guideline.

NM_006517.5(SLC16A2):c.1419T>G (p.Phe473Leu)

Gene: SLC16A2 (solute carrier family 16 member 2; plus strand). Cytogenetic location: Xq13.2.
Variant type: single nucleotide variant.
Coding change: c.1419T>G on transcript NM_006517.5 (MANE Select); coding-DNA position 1419, T replaced by G.
Protein change: p.Phe473Leu; replaces phenylalanine 473 with leucine.
Molecular consequence: missense variant.
Genome position (GRCh38, 1-based): chrX:74,531,352, T>G. VCF-style: chrX-74531352-T-G. GRCh37 (hg19) VCF-style: chrX-73751187-T-G.
Other names: short protein forms F473L.
Identifiers: ClinVar variation 4292634 (VCV004292634.1).